The following is an entry in ClinVar:

NM_006231.4(POLE):c.6577C>A (p.Pro2193Thr)

Gene: POLE (DNA polymerase epsilon, catalytic subunit; minus strand). Cytogenetic location: 12q24.33.
Variant type: single nucleotide variant.
Coding change: c.6577C>A on transcript NM_006231.4 (MANE Select); coding-DNA position 6577, C replaced by A.
Protein change: p.Pro2193Thr; replaces proline 2193 with threonine.
Molecular consequence: missense variant.
Genome position (GRCh38, 1-based): chr12:132,625,725, G>T on the plus strand (C>A on the coding strand, the complement: POLE is on the minus strand). VCF-style: chr12-132625725-G-T. GRCh37 (hg19) VCF-style: chr12-133202311-G-T.
Other names: short protein forms P2193T.
Identifiers: ClinVar variation 3422197 (VCV003422197.1).

ClinVar aggregate classification (germline): Uncertain significance (1 of 4 stars; one submission).

Conditions:
Hereditary cancer-predisposing syndrome. Also called: Neoplastic Syndromes, Hereditary; Tumor predisposition; Hereditary Cancer Syndrome; Hereditary neoplastic syndrome. Identifiers: Orphanet 140162, MedGen C0027672, MeSH D009386, MONDO:0015356.

Submission:

Ambry Genetics
Classification: Uncertain significance for Hereditary cancer-predisposing syndrome. Last evaluated: 2024-10-18. Review status: criteria provided, single submitter. Criteria: Ambry Variant Classification Scheme 2023. Collection method: clinical testing. Allele origin: germline.
Comment: The p.P2193T variant (also known as c.6577C>A), located in coding exon 47 of the POLE gene, results from a C to A substitution at nucleotide position 6577. The proline at codon 2193 is replaced by threonine, an amino acid with highly similar properties. This amino acid position is conserved. In addition, this alteration is predicted to be tolerated by in silico analysis. Based on the available evidence, the clinical significance of this variant remains unclear.